The following is an entry in ClinVar:

NM_001330260.2(SCN8A):c.5753A>G (p.Lys1918Arg)

Gene: SCN8A (sodium voltage-gated channel alpha subunit 8; plus strand). Cytogenetic location: 12q13.13.
Variant type: single nucleotide variant.
Coding change: c.5753A>G on transcript NM_001330260.2 (MANE Select); coding-DNA position 5753, A replaced by G.
Protein change: p.Lys1918Arg; replaces lysine 1918 with arginine.
Molecular consequence: missense variant.
Genome position (GRCh38, 1-based): chr12:51,807,239, A>G. VCF-style: chr12-51807239-A-G. GRCh37 (hg19) VCF-style: chr12-52201023-A-G.
Other names: c.5630A>G, p.Lys1877Arg (NM_001177984.3, NM_001369788.1); c.5753A>G, p.Lys1918Arg (NM_014191.4); short protein forms K1877R, K1918R.
Identifiers: ClinVar variation 4075576 (VCV004075576.1).

ClinVar aggregate classification (germline): Uncertain significance (1 of 4 stars; one submission).

Submission:

GeneDx
Classification: Uncertain significance. Last evaluated: 2025-02-14. Review status: criteria provided, single submitter. Criteria: GeneDx Variant Classification Process June 2021. Collection method: clinical testing. Allele origin: germline. Affected: yes.
Comment: Not observed at significant frequency in large population cohorts (gnomAD); In silico analysis indicates that this missense variant does not alter protein structure/function; Has not been previously published as pathogenic or benign to our knowledge; This substitution is predicted to be within the C-terminal cytoplasmic domain.